The following is an entry in ClinVar:

NM_153252.5(BRWD3):c.2615_2623del (p.Lys872_Gln874del)

Gene: BRWD3 (bromodomain and WD repeat domain containing 3; minus strand). Cytogenetic location: Xq21.1.
Variant type: Deletion.
Coding change: c.2615_2623del on transcript NM_153252.5 (MANE Select); coding-DNA positions 2615 to 2623, 9 bases deleted (AAAGACAAA; older notation c.2615_2623delAAAGACAAA).
Protein change: p.Lys872_Gln874del.
Molecular consequence: inframe deletion.
Genome position (GRCh38, 1-based): chrX:80,704,776-80,704,784, TTTGTCTTT deleted on the plus strand (AAAGACAAA on the coding strand, the reverse complement: BRWD3 is on the minus strand); deleting any 9 consecutive bases within chrX:80,704,776-80,704,786 gives the same sequence; the c. name uses the placement nearest the transcript's 3' end. VCF-style (leftmost placement, unchanged base first): chrX-80704775-GTTTGTCTTT-G. GRCh37 (hg19) VCF-style: chrX-79960274-GTTTGTCTTT-G.
Identifiers: ClinVar variation 3369831 (VCV003369831.1).

ClinVar aggregate classification (germline): Uncertain significance (1 of 4 stars; one submission).

Submission:

GeneDx
Classification: Uncertain significance. Last evaluated: 2024-02-26. Review status: criteria provided, single submitter. Criteria: GeneDx Variant Classification Process June 2021. Collection method: clinical testing. Allele origin: germline. Affected: yes.
Comment: In-frame deletion of 3 amino acids in a non-repeat region; Not observed at significant frequency in large population cohorts (gnomAD); In silico analysis supports a deleterious effect on protein structure/function; Has not been previously published as pathogenic or benign to our knowledge